The following is an entry in ClinVar:

ClinVar aggregate classification (germline): Conflicting classifications of pathogenicity. Review status: criteria provided, conflicting classifications (1 of 4 stars). 3 submissions from 3 submitters: Likely pathogenic (2); Uncertain significance (1). Last evaluated 2025-06-20.

Conditions:
3-hydroxy-3-methylglutaryl-CoA synthase deficiency (HMGCS2D). Also called: MITOCHONDRIAL HMG-CoA SYNTHASE DEFICIENCY; HMGCS2 DEFICIENCY; HMG-CoA synthase-2 deficiency. Identifiers: Orphanet 35701, MedGen C2751532, MONDO:0011614, OMIM 605911.

Allele frequency attached by ClinVar (database versions not stated): ExAC 0.00002; gnomAD exomes 0.00001 and 0.00002; gnomAD 0.00001; TOPMed 0.00002.
gnomAD v4.1: 21 of 1,614,054 alleles (0.0013%); highest among the groups gnomAD compares: East Asian, 0.0089%; no homozygotes.

Submissions (3):

First Genomix Gene Laboratory, Genetic Diagnostics Department
Classification: Likely pathogenic for 3-hydroxy-3-methylglutaryl-CoA synthase deficiency. Last evaluated: 2025-06-20. Review status: criteria provided, single submitter. Criteria: ACMG Guidelines, 2015. Collection method: clinical testing. Allele origin: germline. Inheritance: Autosomal recessive inheritance. Affected: no. Observed: 1 variant allele.

Labcorp Genetics (formerly Invitae), Labcorp
Classification: Uncertain significance for 3-hydroxy-3-methylglutaryl-CoA synthase deficiency. Last evaluated: 2021-12-02. Review status: criteria provided, single submitter. Criteria: Invitae Variant Classification Sherloc (09022015). Collection method: clinical testing. Allele origin: germline.
Comment: This variant is present in population databases (rs766097440, gnomAD 0.01%). This variant has not been reported in the literature in individuals affected with HMGCS2-related conditions. Algorithms developed to predict the effect of missense changes on protein structure and function are either unavailable or do not agree on the potential impact of this missense change (SIFT: "Deleterious"; PolyPhen-2: "Probably Damaging"; Align-GVGD: "Class C15"). In summary, the available evidence is currently insufficient to determine the role of this variant in disease. Therefore, it has been classified as a Variant of Uncertain Significance. This sequence change replaces serine, which is neutral and polar, with leucine, which is neutral and non-polar, at codon 392 of the HMGCS2 protein (p.Ser392Leu).

Juno Genomics, Hangzhou Juno Genomics, Inc
Classification: Likely pathogenic for 3-hydroxy-3-methylglutaryl-CoA synthase deficiency. Review status: criteria provided, single submitter. Criteria: ACMG Guidelines, 2015. Collection method: clinical testing. Allele origin: germline. Affected: yes.
Comment: Absent from controls (or at extremely low frequency if recessive) in Genome Aggregation Database, Exome Sequencing Project, 1000 Genomes Project, or Exome Aggregation Consortium.;Well-established in vitro or in vivo functional studies supportive of a damaging effect on the gene or gene product.;For recessive disorders, detected in trans with a pathogenic variant.

NM_005518.4(HMGCS2):c.1175C>T (p.Ser392Leu)

Gene: HMGCS2 (3-hydroxy-3-methylglutaryl-CoA synthase 2; minus strand). Cytogenetic location: 1p12.
Variant type: single nucleotide variant.
Coding change: c.1175C>T on transcript NM_005518.4 (MANE Select); coding-DNA position 1175, C replaced by T.
Protein change: p.Ser392Leu; replaces serine 392 with leucine.
Molecular consequence: missense variant.
Genome position (GRCh38, 1-based): chr1:119,755,439, G>A on the plus strand (C>T on the coding strand, the complement: HMGCS2 is on the minus strand). VCF-style: chr1-119755439-G-A. GRCh37 (hg19) VCF-style: chr1-120298062-G-A.
Other names: c.1049C>T, p.Ser350Leu (NM_001166107.1); short protein forms S350L, S392L.
Identifiers: ClinVar variation 1414047 (VCV001414047.8), dbSNP rs766097440, ClinGen allele CA1037659.